The following is an entry in ClinVar:

NM_194454.3(KRIT1):c.1360_1363del (p.Ser454fs)

Gene: KRIT1 (KRIT1 ankyrin repeat containing; minus strand). Cytogenetic location: 7q21.2.
Variant type: Microsatellite.
Coding change: c.1360_1363del on transcript NM_194454.3 (MANE Select); coding-DNA positions 1360 to 1363, 4 bases deleted (TCTC; older notation c.1360_1363delTCTC).
Protein change: p.Ser454fs; shifts the reading frame from serine 454.
Molecular consequence: frameshift variant.
Genome position (GRCh38, 1-based): chr7:92,222,870-92,222,873, GAGA deleted on the plus strand (TCTC on the coding strand, the reverse complement: KRIT1 is on the minus strand); deleting any 4 consecutive bases within chr7:92,222,870-92,222,877 gives the same sequence; the c. name uses the placement nearest the transcript's 3' end. VCF-style (leftmost placement, unchanged base first): chr7-92222869-TGAGA-T. GRCh37 (hg19) VCF-style: chr7-91852183-TGAGA-T.
Other names: c.1216_1219del, p.Ser406fs (NM_001013406.2, NM_001350669.1, NM_001350670.1); c.646_649del, p.Ser216fs (NM_001350671.1); c.1360_1363del, p.Ser454fs (NM_001350672.1, NM_001350673.1, NM_001350674.1 and 26 more transcripts); c.1360_1363delTCTC (NM_194456.1); short protein forms S406fs, S216fs, S454fs.
Identifiers: ClinVar variation 449497 (VCV000449497.6), dbSNP rs1180476377, ClinGen allele CA576706304.

ClinVar aggregate classification (germline): Pathogenic. Review status: criteria provided, multiple submitters, no conflicts (2 of 4 stars). 2 submissions from 2 submitters: Pathogenic (2). Last evaluated 2026-01-20.

Conditions:
Cerebral cavernous malformation (CCM). Also called: CAVERNOUS ANGIOMA, FAMILIAL; CAVERNOUS ANGIOMATOUS MALFORMATIONS; CEREBRAL CAPILLARY MALFORMATIONS; Cerebral cavernous malformations; Cerebral cavernous hemangioma (type); Cavernous Hemangioma of Brain. Identifiers: Orphanet 221061, MedGen C2919945, MONDO:0000820, OMIM 116860, HP:0033522.

Submissions (2):

GeneDx
Classification: Pathogenic. Last evaluated: 2026-01-20. Review status: criteria provided, single submitter. Criteria: GeneDx Variant Classification Process June 2021. Collection method: clinical testing. Allele origin: germline. Affected: yes.
Comment: Frameshift variant predicted to result in protein truncation or nonsense mediated decay in a gene for which loss of function is a known mechanism of disease; Not observed at significant frequency in large population cohorts (gnomAD); This variant is associated with the following publications: (PMID: 24466005, 12404106)

Labcorp Genetics (formerly Invitae), Labcorp
Classification: Pathogenic for Cerebral cavernous malformation. Last evaluated: 2025-08-01. Review status: criteria provided, single submitter. Criteria: Invitae Variant Classification Sherloc (09022015). Collection method: clinical testing. Allele origin: germline.
Comment: This sequence change creates a premature translational stop signal (p.Ser454Lysfs*40) in the KRIT1 gene. It is expected to result in an absent or disrupted protein product. Loss-of-function variants in KRIT1 are known to be pathogenic (PMID: 10508515, 11222804, 12404106, 24689081). This variant is present in population databases (no rsID available, gnomAD 0.007%). This premature translational stop signal has been observed in individual(s) with cerebral cavernous malformations (PMID: 12404106). ClinVar contains an entry for this variant (Variation ID: 449497). For these reasons, this variant has been classified as Pathogenic.

Literature cited by the submitters: PubMed 10508515 (cited by Labcorp Genetics (formerly Invitae), Labcorp); PubMed 11222804 (cited by Labcorp Genetics (formerly Invitae), Labcorp); PubMed 12404106 (cited by Labcorp Genetics (formerly Invitae), Labcorp); PubMed 24689081 (cited by Labcorp Genetics (formerly Invitae), Labcorp).